The following is an entry in ClinVar:

NM_001183.6(ATP6AP1):c.1057G>A (p.Val353Ile)

Gene: ATP6AP1 (ATPase H+ transporting accessory protein 1; plus strand). Cytogenetic location: Xq28.
Variant type: single nucleotide variant.
Coding change: c.1057G>A on transcript NM_001183.6 (MANE Select); coding-DNA position 1057, G replaced by A.
Protein change: p.Val353Ile; replaces valine 353 with isoleucine.
Molecular consequence: missense variant.
Genome position (GRCh38, 1-based): chrX:154,435,359, G>A. VCF-style: chrX-154435359-G-A. GRCh37 (hg19) VCF-style: chrX-153663705-G-A.
Other names: c.1057G>A (NM_001183.4); short protein forms V353I.
Identifiers: ClinVar variation 2902524 (VCV002902524.4), dbSNP rs781862242, ClinGen allele CA10562758.

ClinVar aggregate classification (germline): Uncertain significance. Review status: criteria provided, multiple submitters, no conflicts (2 of 4 stars). 2 submissions from 2 submitters: Uncertain significance (2). Last evaluated 2025-06-22.

Conditions:
Inborn genetic diseases. Identifiers: MedGen C0950123, MeSH D030342.

Allele frequency attached by ClinVar (database versions not stated): TOPMed below 0.00001; gnomAD 0.00001; gnomAD exomes 0.00001; ExAC 0.00002.
gnomAD v4.1: 8 of 1,210,464 alleles (0.00066%); highest among the groups gnomAD compares: African/African-American, 0.0017%; no homozygotes.

Submissions (2):

Ambry Genetics
Classification: Uncertain significance for Inborn genetic diseases. Last evaluated: 2025-06-22. Review status: criteria provided, single submitter. Criteria: Ambry Variant Classification Scheme 2023. Collection method: clinical testing. Allele origin: germline.

Labcorp Genetics (formerly Invitae), Labcorp
Classification: Uncertain significance. Last evaluated: 2023-07-10. Review status: criteria provided, single submitter. Criteria: Invitae Variant Classification Sherloc (09022015). Collection method: clinical testing. Allele origin: germline.
Comment: This variant has not been reported in the literature in individuals affected with ATP6AP1-related conditions. This variant is present in population databases (rs781862242, gnomAD 0.002%), including at least one homozygous and/or hemizygous individual. Advanced modeling of protein sequence and biophysical properties (such as structural, functional, and spatial information, amino acid conservation, physicochemical variation, residue mobility, and thermodynamic stability) performed at Invitae indicates that this missense variant is not expected to disrupt ATP6AP1 protein function. In summary, the available evidence is currently insufficient to determine the role of this variant in disease. Therefore, it has been classified as a Variant of Uncertain Significance. This sequence change replaces valine, which is neutral and non-polar, with isoleucine, which is neutral and non-polar, at codon 353 of the ATP6AP1 protein (p.Val353Ile).